The following is an entry in ClinVar:

NM_001111.5(ADAR):c.1106C>T (p.Thr369Met)

Gene: ADAR (adenosine deaminase RNA specific; minus strand). Cytogenetic location: 1q21.3.
Variant type: single nucleotide variant.
Coding change: c.1106C>T on transcript NM_001111.5 (MANE Select); coding-DNA position 1106, C replaced by T.
Protein change: p.Thr369Met; replaces threonine 369 with methionine.
Molecular consequence: missense variant.
Genome position (GRCh38, 1-based): chr1:154,601,536, G>A on the plus strand (C>T on the coding strand, the complement: ADAR is on the minus strand). VCF-style: chr1-154601536-G-A. GRCh37 (hg19) VCF-style: chr1-154574012-G-A.
Other names: c.221C>T, p.Thr74Met (NM_001025107.3, NM_001193495.2, NM_001365046.1 and 3 more transcripts); c.1133C>T, p.Thr378Met (NM_001365045.1); c.1106C>T, p.Thr369Met (NM_015840.4, NM_015841.4); short protein forms T369M, T378M, T74M.
Identifiers: ClinVar variation 1001426 (VCV001001426.6), dbSNP rs958924655, ClinGen allele CA342598653.

ClinVar aggregate classification (germline): Uncertain significance (1 of 4 stars; one submission).

Conditions:
Symmetrical dyschromatosis of extremities (DSH). Also called: RETICULATE ACROPIGMENTATION OF DOHI; SYMMETRIC DYSCHROMATOSIS OF THE EXTREMITIES; DYSCHROMATOSIS SYMMETRICA HEREDITARIA 1; Dyschromatosis symmetrica hereditaria. Identifiers: Orphanet 41, MedGen C0406775, MONDO:0007483, OMIM 127400.
Aicardi-Goutieres syndrome 6 (AGS6). Identifiers: Orphanet 51, MedGen C3539013, MONDO:0014007, OMIM 615010.

Allele frequency attached by ClinVar (database versions not stated): TOPMed 0.00001.
gnomAD v4.1: 23 of 1,613,140 alleles (0.0014%); highest among the groups gnomAD compares: Non-Finnish European, 0.0019%; no homozygotes.

Submission:

Labcorp Genetics (formerly Invitae), Labcorp
Classification: Uncertain significance for Aicardi-Goutieres syndrome 6; Symmetrical dyschromatosis of extremities. Last evaluated: 2024-08-10. Review status: criteria provided, single submitter. Criteria: Invitae Variant Classification Sherloc (09022015). Collection method: clinical testing. Allele origin: germline.
Comment: This sequence change replaces threonine, which is neutral and polar, with methionine, which is neutral and non-polar, at codon 369 of the ADAR protein (p.Thr369Met). This variant is not present in population databases (gnomAD no frequency). This variant has not been reported in the literature in individuals affected with ADAR-related conditions. ClinVar contains an entry for this variant (Variation ID: 1001426). Advanced modeling of protein sequence and biophysical properties (such as structural, functional, and spatial information, amino acid conservation, physicochemical variation, residue mobility, and thermodynamic stability) performed at Invitae indicates that this missense variant is not expected to disrupt ADAR protein function with a negative predictive value of 80%. In summary, the available evidence is currently insufficient to determine the role of this variant in disease. Therefore, it has been classified as a Variant of Uncertain Significance.